The following is an entry in ClinVar:

NM_007078.3(LDB3):c.397C>T (p.Pro133Ser)

Gene: LDB3 (LIM domain binding 3; plus strand). Cytogenetic location: 10q23.2.
Variant type: single nucleotide variant.
Coding change: c.397C>T on transcript NM_007078.3 (MANE Select); coding-DNA position 397, C replaced by T.
Protein change: p.Pro133Ser; replaces proline 133 with serine.
Molecular consequence: missense variant. On other transcripts: intron variant (5).
Genome position (GRCh38, 1-based): chr10:86,681,511, C>T. VCF-style: chr10-86681511-C-T. GRCh37 (hg19) VCF-style: chr10-88441268-C-T.
Other names: c.397C>T, p.Pro133Ser (NM_001080115.2, NM_001171610.2, NM_001171611.2 and 3 more transcripts); c.321+1354C>T (NM_001368068.1, NM_001368066.1, NM_001080114.2 and 2 more transcripts); short protein forms P133S.
Identifiers: ClinVar variation 1736682 (VCV001736682.2), dbSNP rs781348017, ClinGen allele CA5584692.

ClinVar aggregate classification (germline): Uncertain significance (1 of 4 stars; one submission).

Conditions:
Cardiovascular phenotype. Identifiers: MedGen CN230736.

Allele frequency attached by ClinVar (database versions not stated): gnomAD exomes below 0.00001; ExAC 0.00001.
gnomAD v4.1: 2 of 1,611,734 alleles (0.00012%); highest among the groups gnomAD compares: South Asian, 0.0011%; no homozygotes.

Submission:

Ambry Genetics
Classification: Uncertain significance for Cardiovascular phenotype. Last evaluated: 2022-03-09. Review status: criteria provided, single submitter. Criteria: Ambry Variant Classification Scheme 2023. Collection method: clinical testing. Allele origin: germline.
Comment: The p.P133S variant (also known as c.397C>T), located in coding exon 4 of the LDB3 gene, results from a C to T substitution at nucleotide position 397. The proline at codon 133 is replaced by serine, an amino acid with similar properties. This amino acid position is not well conserved in available vertebrate species. In addition, this alteration is predicted to be tolerated by in silico analysis. Since supporting evidence is limited at this time, the clinical significance of this alteration remains unclear.